The following is an entry in ClinVar:

ClinVar aggregate classification (germline): Likely benign (1 of 4 stars; one submission).

Allele frequency attached by ClinVar (database versions not stated): gnomAD 0.00001; gnomAD exomes 0.00001; TOPMed 0.00001.
gnomAD v4.1: 16 of 1,551,246 alleles (0.001%); highest among the groups gnomAD compares: Non-Finnish European, 0.0012%; no homozygotes.

Submission:

CeGaT Center for Human Genetics Tuebingen
Classification: Likely benign. Last evaluated: 2023-05-01. Review status: criteria provided, single submitter. Criteria: CeGaT Center For Human Genetics Tuebingen Variant Classification Criteria Version 2. Collection method: clinical testing. Allele origin: germline. Affected: yes. Observed: 1 variant allele.
Comment: RIPOR2: BP4, BP7

NM_001286445.3(RIPOR2):c.2574G>A (p.Ser858=)

Gene: RIPOR2 (RHO family interacting cell polarization regulator 2; minus strand). Cytogenetic location: 6p22.3.
Variant type: single nucleotide variant.
Coding change: c.2574G>A on transcript NM_001286445.3 (MANE Select); coding-DNA position 2574, G replaced by A.
Protein change: p.Ser858=; no amino-acid change (serine 858 retained).
Molecular consequence: synonymous variant.
Genome position (GRCh38, 1-based): chr6:24,828,228, C>T on the plus strand (G>A on the coding strand, the complement: RIPOR2 is on the minus strand). VCF-style: chr6-24828228-C-T. GRCh37 (hg19) VCF-style: chr6-24828456-C-T.
Other names: c.2487G>A, p.Ser829= (NM_001346031.2, NM_001346032.2); c.2637G>A, p.Ser879= (NM_014722.5).
Identifiers: ClinVar variation 2656290 (VCV002656290.24), dbSNP rs986810473, ClinGen allele CA136168863.